The following is an entry in ClinVar:

ClinVar aggregate classification (germline): Pathogenic (1 of 4 stars; one submission).

Submission:

Labcorp Genetics (formerly Invitae), Labcorp
Classification: Pathogenic. Last evaluated: 2023-11-27. Review status: criteria provided, single submitter. Criteria: Invitae Variant Classification Sherloc (09022015). Collection method: clinical testing. Allele origin: germline.
Comment: This sequence change creates a premature translational stop signal (p.Gln675*) in the KAT6A gene. It is expected to result in an absent or disrupted protein product. Loss-of-function variants in KAT6A are known to be pathogenic (PMID: 25728775, 25728777, 27133397). This variant is not present in population databases (gnomAD no frequency). This variant has not been reported in the literature in individuals affected with KAT6A-related conditions. For these reasons, this variant has been classified as Pathogenic.

Literature cited by the submitters: PubMed 25728775; PubMed 25728777; PubMed 27133397.

NM_006766.5(KAT6A):c.2023C>T (p.Gln675Ter)

Gene: KAT6A (lysine acetyltransferase 6A; minus strand). Cytogenetic location: 8p11.21.
Variant type: single nucleotide variant.
Coding change: c.2023C>T on transcript NM_006766.5 (MANE Select); coding-DNA position 2023, C replaced by T.
Protein change: p.Gln675Ter; replaces glutamine 675 with a stop codon.
Molecular consequence: nonsense.
Genome position (GRCh38, 1-based): chr8:41,943,953, G>A on the plus strand (C>T on the coding strand, the complement: KAT6A is on the minus strand). VCF-style: chr8-41943953-G-A. GRCh37 (hg19) VCF-style: chr8-41801471-G-A.
Other names: c.2023C>T, p.Gln675Ter (NM_001305878.2); short protein forms Q675*.
Identifiers: ClinVar variation 2759268 (VCV002759268.3), dbSNP rs2486777689, ClinGen allele CA371073420.